The following is an entry in ClinVar:

NM_002863.5(PYGL):c.1015A>C (p.Asn339His)

Gene: PYGL (glycogen phosphorylase L; minus strand). Cytogenetic location: 14q22.1.
Variant type: single nucleotide variant.
Coding change: c.1015A>C on transcript NM_002863.5 (MANE Select); coding-DNA position 1015, A replaced by C.
Protein change: p.Asn339His; replaces asparagine 339 with histidine.
Molecular consequence: missense variant.
Genome position (GRCh38, 1-based): chr14:50,916,719, T>G on the plus strand (A>C on the coding strand, the complement: PYGL is on the minus strand). VCF-style: chr14-50916719-T-G. GRCh37 (hg19) VCF-style: chr14-51383437-T-G.
Other names: c.913A>C, p.Asn305His (NM_001163940.2); short protein forms N305H, N339H.
Identifiers: ClinVar variation 4537003 (VCV004537003.1).

ClinVar aggregate classification (germline): Uncertain significance (1 of 4 stars; one submission).

Submission:

Women's Health and Genetics/Laboratory Corporation of America, LabCorp
Classification: Uncertain significance. Last evaluated: 2025-11-06. Review status: criteria provided, single submitter. Criteria: LabCorp Variant Classification Summary - May 2015. Collection method: clinical testing. Allele origin: germline.
Comment: Variant summary: PYGL c.1015A>C (p.Asn339His) results in a conservative amino acid change in the encoded protein sequence. Algorithms developed to predict the effect of missense changes on protein structure and function are either unavailable or do not agree on the potential impact of this missense change. The variant was absent in 251432 control chromosomes. The available data on variant occurrences in the general population are insufficient to allow any conclusion about variant significance. To our knowledge, no occurrence of c.1015A>C in individuals affected with PYGL-related conditions and no experimental evidence demonstrating its impact on protein function have been reported. No submitters have cited clinical-significance assessments for this variant to ClinVar. Based on the evidence outlined above, the variant was classified as uncertain significance.